The following is an entry in ClinVar:

ClinVar aggregate classification (germline): Likely pathogenic (1 of 4 stars; one submission).

Conditions:
Polycystic kidney disease, adult type (PKD1). Also called: Polycystic Kidney Disease 1, Autosomal Dominant; Polycystic kidney disease 1; Polycystic kidney disease 1, severe; POLYCYSTIC KIDNEY DISEASE, ADULT, TYPE I; Polycystic Kidney, Autosomal Dominant; POLYCYSTIC KIDNEY DISEASE 1 WITH OR WITHOUT POLYCYSTIC LIVER DISEASE. Identifiers: MedGen C3149841, MONDO:0008263, OMIM 173900.

Submission:

Clinical Genetics Laboratory, Skane University Hospital Lund
Classification: Likely pathogenic for Polycystic kidney disease, adult type. Last evaluated: 2025-03-12. Review status: criteria provided, single submitter. Criteria: ACMG Guidelines, 2015. Collection method: clinical testing. Allele origin: germline. Affected: yes.
Comment: ACMG criteria used: PVS1_Moderate, PM2, PP1, PP4_Strong

NM_001009944.3(PKD1):c.12554C>A (p.Ser4185Ter)

Gene: PKD1 (polycystin 1, transient receptor potential channel interacting; minus strand). Cytogenetic location: 16p13.3.
Variant type: single nucleotide variant.
Coding change: c.12554C>A on transcript NM_001009944.3 (MANE Select); coding-DNA position 12554, C replaced by A.
Protein change: p.Ser4185Ter; replaces serine 4185 with a stop codon.
Molecular consequence: nonsense.
Genome position (GRCh38, 1-based): chr16:2,090,085, G>T on the plus strand (C>A on the coding strand, the complement: PKD1 is on the minus strand). VCF-style: chr16-2090085-G-T. GRCh37 (hg19) VCF-style: chr16-2140086-G-T.
Other names: c.12551C>A, p.Ser4184Ter (NM_000296.4); short protein forms S4184*, S4185*.
Identifiers: ClinVar variation 3767311 (VCV003767311.1).